The following is an entry in ClinVar:

ClinVar aggregate classification (germline): Conflicting classifications of pathogenicity. Review status: criteria provided, conflicting classifications (1 of 4 stars). 10 submissions from 10 submitters: Pathogenic (4); Likely pathogenic (4); Uncertain significance (1). 1 of the submissions does not count toward it. Last evaluated 2026-09-17.

Conditions:
CFH-related disorder. Also called: CFH-related disorders; CFH-related condition.
Hemolytic uremic syndrome, atypical, susceptibility to, 1. Also called: AHUS, SUSCEPTIBILITY TO, 1. Identifiers: Orphanet 2134, Orphanet 90038, MedGen C2749604, MONDO:0009335, OMIM 235400. Disease mechanism: Other.
Factor H deficiency (CFHD). Also called: COMPLEMENT FACTOR H DEFICIENCY; CFH DEFICIENCY. Identifiers: Orphanet 200421, MedGen C0398777, MONDO:0012350, OMIM 609814.
Age related macular degeneration 4. Identifiers: MedGen C1853147, MONDO:0012540, OMIM 610698.
Basal laminar drusen. Also called: DRUSEN OF BRUCH MEMBRANE; DRUSEN, CUTICULAR; DRUSEN, EARLY ADULT-ONSET, GROUPED. Identifiers: Orphanet 75376, MedGen C0730295, MONDO:0007472, OMIM 126700.
Atypical hemolytic-uremic syndrome. Identifiers: Orphanet 2134, MedGen C2931788, MONDO:0016244.

Allele frequency attached by ClinVar (database versions not stated): gnomAD exomes below 0.00001 and 0.00001; gnomAD 0.00001; TOPMed 0.00002.
gnomAD v4.1: 11 of 1,613,880 alleles (0.00068%); highest among the groups gnomAD compares: Admixed American, 0.0033%; no homozygotes.

Submissions (10):

Genomenon, Inc
Classification: Pathogenic for Atypical hemolytic-uremic syndrome. Last evaluated: 2026-09-17. Review status: criteria provided, single submitter. Criteria: Genomenon Sequence Variant Interpretation Standards - Updated. Collection method: curation. Allele origin: germline. Affected: yes.
Comment: CFH p.Val1197Ala (c.3590T>C) is a missense variant that changes the amino acid at codon 1197 from valine to alanine. This variant has been observed in at least one proband affected with atypical hemolytic-uremic syndrome (PMID: 36845135; 23307876; 29888403; 28596415; 30890598; 29046944; 16621965; 25733390; 15661753; 14583443; 24843058). The variant was found to segregate with disease in at least one affected family (PMID: 16621965). At least one functional study has demonstrated a substantial alteration in protein function relative to the wild-type (PMID: 12424708; 29218045; 19680263; 16338962). It is absent or not present at a significant frequency in gnomAD. In conclusion, we classify CFH p.Val1197Ala (c.3590T>C) as a pathogenic variant.

3billion
Classification: Likely pathogenic for Hemolytic uremic syndrome, atypical, susceptibility to, 1. Last evaluated: 2025-11-14. Review status: criteria provided, single submitter. Criteria: ACMG Guidelines, 2015. Collection method: clinical testing. Allele origin: germline. Affected: yes.
Comment: The variant is observed at an extremely low frequency in the gnomAD v4.1.0 dataset (total allele frequency: <0.001%). Predicted Consequence/Location: Missense variant Damaging effect on gene or gene product predicted by in silico programs is uncertain [REVEL: 0.55 (damaging >=0.6, benign <0.4), 3Cnet: 0.58 (damaging >0.75, benign <0.1)]. The same nucleotide change resulting in the same amino acid change has been previously reported as pathogenic/likely pathogenic with strong evidence (ClinVar ID: VCV000021090 /PMID: 11170896). Therefore, this variant is classified as Likely pathogenic according to the recommendation of ACMG/AMP guideline.

GeneDx
Classification: Uncertain significance. Last evaluated: 2025-04-21. Review status: criteria provided, single submitter. Criteria: GeneDx Variant Classification Process June 2021. Collection method: clinical testing. Allele origin: germline. Affected: yes.
Comment: Published functional studies suggest a damaging effect, including reduced binding to C3b and C3d; however additional studies are needed to validate the functional effect of this variant in vivo (PMID: 16338962); In silico analysis supports that this missense variant has a deleterious effect on protein structure/function; This variant is associated with the following publications: (PMID: 24843058, 31589614, 21317894, 16601698, 21161283, 11170896, 11170895, 16470555, 22320225, 23431077, 19454698, 28596415, 34169201, 16889549, 12424708, 21717289, 16338962, 29888403, 36845135, 39081726, 37369098, 35969277, 17076561, 35790695)

Blueprint Genetics
Classification: Pathogenic for CFH-related disorders. Last evaluated: 2024-11-05. Review status: criteria provided, single submitter. Criteria: ACMG Guidelines, 2015. Collection method: clinical testing. Allele origin: germline. Affected: yes. Observed: 5 variant alleles.

Genome-Nilou Lab
Classification: Likely pathogenic for Factor H deficiency. Last evaluated: 2023-04-11. Review status: criteria provided, single submitter. Criteria: ACMG Guidelines, 2015. Collection method: clinical testing. Allele origin: germline. Affected: no.

CeGaT Center for Human Genetics Tuebingen
Classification: Likely pathogenic. Last evaluated: 2022-08-01. Review status: criteria provided, single submitter. Criteria: CeGaT Center For Human Genetics Tuebingen Variant Classification Criteria Version 2. Collection method: clinical testing. Allele origin: germline. Affected: yes. Observed: 1 variant allele.
Comment: CFH: PS3, PS4:Moderate, PP2, BP4

Fulgent Genetics
Classification: Likely pathogenic for Basal laminar drusen; Hemolytic uremic syndrome, atypical, susceptibility to, 1; Factor H deficiency; Age related macular degeneration 4. Last evaluated: 2022-04-19. Review status: criteria provided, single submitter. Criteria: ACMG Guidelines, 2015. Collection method: clinical testing. Allele origin: unknown.

Mayo Clinic Laboratories, Mayo Clinic
Classification: Pathogenic. Last evaluated: 2022-01-04. Review status: criteria provided, single submitter. Criteria: ACMG Guidelines, 2015. Collection method: clinical testing. Allele origin: germline.
Comment: PM1, PS3, PS4

Baylor Genetics
Classification: Pathogenic for Hemolytic uremic syndrome, atypical, susceptibility to, 1. Last evaluated: 2019-08-23. Review status: criteria provided, single submitter. Criteria: ACMG Guidelines, 2015. Collection method: clinical testing. Allele origin: unknown. Affected: yes.
Comment: This variant was determined to be pathogenic according to ACMG Guidelines, 2015 [PMID:25741868].

GeneReviews
No classification provided. Condition: Hemolytic uremic syndrome, atypical, susceptibility to, 1. Review status: no classification provided. Collection method: literature only. Allele origin: unknown. Not counted in ClinVar's aggregate classification.

Literature cited by the submitters: PubMed 36845135 (cited by Genomenon, Inc); PubMed 23307876 (cited by Genomenon, Inc); PubMed 29888403 (cited by Genomenon, Inc); PubMed 28596415 (cited by Genomenon, Inc); PubMed 30890598 (cited by Genomenon, Inc); PubMed 29046944 (cited by Genomenon, Inc); PubMed 16621965 (cited by Genomenon, Inc); PubMed 25733390 (cited by Genomenon, Inc); PubMed 15661753 (cited by Genomenon, Inc); PubMed 14583443 (cited by Genomenon, Inc); PubMed 24843058 (cited by Genomenon, Inc); PubMed 12424708 (cited by Genomenon, Inc); PubMed 29218045 (cited by Genomenon, Inc); PubMed 19680263 (cited by Genomenon, Inc); PubMed 16338962 (cited by Genomenon, Inc); PubMed 11170896 (cited by 3billion); PubMed 16470555 (cited by GeneReviews); PubMed 17076561 (cited by GeneReviews); PubMed 20301541 (cited by GeneReviews); NCBI Bookshelf NBK1367 (cited by GeneReviews).

NM_000186.4(CFH):c.3590T>C (p.Val1197Ala)

Gene: CFH (complement factor H; plus strand). Cytogenetic location: 1q31.3.
Variant type: single nucleotide variant.
Coding change: c.3590T>C on transcript NM_000186.4 (MANE Select); coding-DNA position 3590, T replaced by C.
Protein change: p.Val1197Ala; replaces valine 1197 with alanine.
Molecular consequence: missense variant.
Genome position (GRCh38, 1-based): chr1:196,747,207, T>C. VCF-style: chr1-196747207-T-C. GRCh37 (hg19) VCF-style: chr1-196716337-T-C.
Other names: p.Val1197Ala; short protein forms V1197A.
Identifiers: ClinVar variation 21090 (VCV000021090.42), dbSNP rs460184, ClinGen allele CA341616.